The following is an entry in ClinVar:

NM_001330360.2(POLA1):c.935G>C (p.Cys312Ser)

Gene: POLA1 (DNA polymerase alpha 1, catalytic subunit; plus strand). Cytogenetic location: Xp22.11.
Variant type: single nucleotide variant.
Coding change: c.935G>C on transcript NM_001330360.2 (MANE Select); coding-DNA position 935, G replaced by C.
Protein change: p.Cys312Ser; replaces cysteine 312 with serine.
Molecular consequence: missense variant. On other transcripts: non-coding transcript variant (2).
Genome position (GRCh38, 1-based): chrX:24,717,606, G>C. VCF-style: chrX-24717606-G-C. GRCh37 (hg19) VCF-style: chrX-24735723-G-C.
Other names: c.935G>C, p.Cys312Ser (NM_001378303.1); c.917G>C, p.Cys306Ser (NM_016937.4); short protein forms C306S, C312S.
Identifiers: ClinVar variation 2117955 (VCV002117955.4), dbSNP rs777668998, ClinGen allele CA10372881.
Genomic context (GRCh38, chrX:24,717,606, plus strand): 5'-TTTTGAAAGGTTTTTGAAAATGTGATTTCTGCAGAGGAAGTTTTCTCCCGGATGTCTCTT[G>C]TTGGGACATTGATCAAGAAGGTGATAGCAGTTTCTCAGTGCAAGAAGTTCAAGTGGATTC-3'
Protein context (NP_001317289.1, residues 302-322): YLGSFLPDVS[Cys312Ser]WDIDQEGDSS

ClinVar aggregate classification (germline): Uncertain significance (1 of 4 stars; one submission).

Allele frequency attached by ClinVar (database versions not stated): ExAC 0.00001.
gnomAD v4.1: 3 of 1,210,190 alleles (0.00025%); highest among the groups gnomAD compares: Non-Finnish European, 0.00034%; no homozygotes.

Submission:

Labcorp Genetics (formerly Invitae), Labcorp
Classification: Uncertain significance. Last evaluated: 2023-05-22. Review status: criteria provided, single submitter. Criteria: Invitae Variant Classification Sherloc (09022015). Collection method: clinical testing. Allele origin: germline.
Comment: ClinVar contains an entry for this variant (Variation ID: 2117955). This variant has not been reported in the literature in individuals affected with POLA1-related conditions. This variant is present in population databases (rs777668998, gnomAD 0.001%), including at least one homozygous and/or hemizygous individual. This sequence change replaces cysteine, which is neutral and slightly polar, with serine, which is neutral and polar, at codon 306 of the POLA1 protein (p.Cys306Ser). In summary, the available evidence is currently insufficient to determine the role of this variant in disease. Therefore, it has been classified as a Variant of Uncertain Significance. Advanced modeling of protein sequence and biophysical properties (such as structural, functional, and spatial information, amino acid conservation, physicochemical variation, residue mobility, and thermodynamic stability) performed at Invitae indicates that this missense variant is not expected to disrupt POLA1 protein function.